The following is an entry in ClinVar:

ClinVar aggregate classification (germline): Uncertain significance (1 of 4 stars; one submission).

Conditions:
Hereditary sensory and autonomic neuropathy type 6. Also called: HSAN VI; Neuropathy, hereditary sensory and autonomic, type VI. Identifiers: Orphanet 314381, MedGen C3539003, MONDO:0013839, OMIM 614653.
Epidermolysis bullosa simplex 3, localized or generalized intermediate, with BP230 deficiency (EBS3). Also called: Epidermolysis bullosa simplex, autosomal recessive 2; Epidermolysis bullosa simplex due to BP230 deficiency. Identifiers: Orphanet 412181, MedGen C3809470, MONDO:0014180, OMIM 615425.

Allele frequency attached by ClinVar (database versions not stated): gnomAD 0.00001; gnomAD exomes 0.00001 and 0.00003; ExAC 0.00002; TOPMed 0.00002; ESP Exome Variant Server 0.00008.
gnomAD v4.1: 42 of 1,613,994 alleles (0.0026%); highest among the groups gnomAD compares: South Asian, 0.0033%; no homozygotes.

Submission:

Labcorp Genetics (formerly Invitae), Labcorp
Classification: Uncertain significance for Epidermolysis bullosa simplex 3, localized or generalized intermediate, with BP230 deficiency; Hereditary sensory and autonomic neuropathy type 6. Last evaluated: 2023-04-07. Review status: criteria provided, single submitter. Criteria: Invitae Variant Classification Sherloc (09022015). Collection method: clinical testing. Allele origin: germline.
Comment: ClinVar contains an entry for this variant (Variation ID: 541460). In summary, the available evidence is currently insufficient to determine the role of this variant in disease. Therefore, it has been classified as a Variant of Uncertain Significance. An algorithm developed to predict the effect of missense changes on protein structure and function (PolyPhen-2) suggests that this variant¬† is likely to be tolerated. This variant has not been reported in the literature in individuals affected with DST-related conditions. This variant is present in population databases (rs369725310, gnomAD 0.003%). This sequence change replaces arginine, which is basic and polar, with tryptophan, which is neutral and slightly polar, at codon 2437 of the DST protein (p.Arg2437Trp).

NM_001723.7(DST):c.7309C>T (p.Arg2437Trp)

Gene: DST (dystonin; minus strand). Cytogenetic location: 6p12.1.
Variant type: single nucleotide variant.
Coding change: c.7309C>T on transcript NM_001723.7 (MANE Plus Clinical); coding-DNA position 7309, C replaced by T.
Protein change: p.Arg2437Trp; replaces arginine 2437 with tryptophan.
Molecular consequence: missense variant. On other transcripts: intron variant (10).
Genome position (GRCh38, 1-based): chr6:56,616,158, G>A on the plus strand (C>T on the coding strand, the complement: DST is on the minus strand). VCF-style: chr6-56616158-G-A. GRCh37 (hg19) VCF-style: chr6-56480956-G-A.
Other names: c.4831-1674C>T (NM_001144769.5); c.4930-1674C>T (NM_001374722.1, NM_001374736.1); c.4957-1674C>T (NM_001374734.1); c.4417-1674C>T (NM_001144770.2); c.4297-1674C>T (NM_001374730.1, NM_001386100.1, NM_183380.4 and 1 more transcripts); c.3319-1674C>T (NM_015548.5); short protein forms R2437W.
Identifiers: ClinVar variation 541460 (VCV000541460.7), dbSNP rs369725310, ClinGen allele CA3869990.